The following is an entry in ClinVar:

ClinVar aggregate classification (germline): Uncertain significance. Review status: criteria provided, multiple submitters, no conflicts (2 of 4 stars). 2 submissions from 2 submitters: Uncertain significance (2). Last evaluated 2025-11-26.

Conditions:
Hypertrophic cardiomyopathy. Also called: HYPERTROPHIC MYOCARDIOPATHY. Identifiers: Orphanet 217569, MedGen C0007194, MeSH D002312, MONDO:0005045, HP:0001639.
Cardiovascular phenotype. Identifiers: MedGen CN230736.

Allele frequency attached by ClinVar (database versions not stated): gnomAD exomes below 0.00001.
gnomAD v4.1: 5 of 1,603,182 alleles (0.00031%); highest among the groups gnomAD compares: Non-Finnish European, 0.00042%; no homozygotes.

Submissions (2):

Labcorp Genetics (formerly Invitae), Labcorp
Classification: Uncertain significance for Hypertrophic cardiomyopathy. Last evaluated: 2025-11-26. Review status: criteria provided, single submitter. Criteria: Invitae Variant Classification Sherloc (09022015). Collection method: clinical testing. Allele origin: germline.
Comment: This sequence change replaces alanine, which is neutral and non-polar, with serine, which is neutral and polar, at codon 1156 of the MYH7 protein (p.Ala1156Ser). The frequency data for this variant in the population databases is considered unreliable, as metrics indicate poor data quality at this position in the gnomAD database. This variant has not been reported in the literature in individuals affected with MYH7-related conditions. ClinVar contains an entry for this variant (Variation ID: 654630). Invitae Evidence Modeling of protein sequence and biophysical properties (such as structural, functional, and spatial information, amino acid conservation, physicochemical variation, residue mobility, and thermodynamic stability) indicates that this missense variant is expected to disrupt MYH7 protein function with a positive predictive value of 95%. In summary, the available evidence is currently insufficient to determine the role of this variant in disease. Therefore, it has been classified as a Variant of Uncertain Significance.

Ambry Genetics
Classification: Uncertain significance for Cardiovascular phenotype. Last evaluated: 2025-11-05. Review status: criteria provided, single submitter. Criteria: Ambry Variant Classification Scheme 2023. Collection method: clinical testing. Allele origin: germline.
Comment: The p.A1156S variant (also known as c.3466G>T), located in coding exon 25 of the MYH7 gene, results from a G to T substitution at nucleotide position 3466. The alanine at codon 1156 is replaced by serine, an amino acid with similar properties. This amino acid position is highly conserved in available vertebrate species. In addition, the in silico prediction for this alteration is inconclusive. Based on the available evidence, the clinical significance of this variant remains unclear.

NM_000257.4(MYH7):c.3466G>T (p.Ala1156Ser)

Gene: MYH7 (myosin heavy chain 7; minus strand). Cytogenetic location: 14q11.2.
Variant type: single nucleotide variant.
Coding change: c.3466G>T on transcript NM_000257.4 (MANE Select); coding-DNA position 3466, G replaced by T.
Protein change: p.Ala1156Ser; replaces alanine 1156 with serine.
Molecular consequence: missense variant.
Genome position (GRCh38, 1-based): chr14:23,420,105, C>A on the plus strand (G>T on the coding strand, the complement: MYH7 is on the minus strand). VCF-style: chr14-23420105-C-A. GRCh37 (hg19) VCF-style: chr14-23889314-C-A.
Other names: short protein forms A1156S.
Identifiers: ClinVar variation 654630 (VCV000654630.9), dbSNP rs1226515434, ClinGen allele CA389043796.